The following is an entry in ClinVar:

GRCh38/hg38 15q13.1-13.3(chr15:28702463-32154823)x3

Genes: APBA2 (amyloid beta precursor protein binding family A member 2; plus strand), ARHGAP11B (Rho GTPase activating protein 11B), ARHGAP11B-DT (ARHGAP11B divergent transcript), CHRFAM7A (CHRNA7 (exons 5-10) and FAM7A (exons A-E) fusion; minus strand), CHRNA7 (cholinergic receptor nicotinic alpha 7 subunit) and 51 more. Cytogenetic location: 15q13.1-13.3.
Variant type: copy number gain.
Change: copy number 3 (three copies instead of two) of chr15:28,702,463-32,154,823 (3.45 Mb, GRCh38 coordinates, 1-based), cytogenetic band 15q13.1-13.3.
Identifiers: ClinVar variation 4886784 (VCV004886784.1).

ClinVar aggregate classification (germline): Pathogenic (0 of 4 stars; one submission).

Submission:

Diagnostics Centre, Carl Von Ossietzky University Oldenburg
Classification: Pathogenic. Last evaluated: 2025-03-11. Review status: no assertion criteria provided. Collection method: clinical testing. Allele origin: germline. Affected: yes. Observed: 1 variant allele.
Comment: The identified duplication described here, classified as pathogenic spans approximately 3.45 Mb and encompasses 20 protein-coding genes on chromosome 15. ClinVar contains numerous entries for smaller (likely) pathogenic duplications that fall within the present ~3.45 Mb region (ClinVar ID: 253353, 394946, 523250). The present duplication fully overlaps the 15q13.3 region, which has been repeatedly reported in the literature and public databases in association with 15q13.3 microduplication syndrome. 15q13.3 microduplication syndrome exhibits a highly variable clinical phenotype, which may include feeding difficulties, growth retardation, and motor and speech developmental delays. Variable intellectual disability, behavioral abnormalities such as autism spectrum disorder, schizophrenia, and ADHD, as well as sleep disturbances, have also been reported. Additional features can include epileptic seizures and, less frequently, congenital heart defects (including atrial septal defect, patent foramen ovale, hypoplastic left heart, and aortic isthmus stenosis). Brain MRI studies have reported cysts, and in one individual a Chiari malformation was observed. Other reported findings include septo-optic dysplasia and nystagmus (PMID: 36458369). The severity and range of symptoms in 15q13.3 microduplication syndrome are highly variable, and some carriers may be asymptomatic. Clinical evaluation for the presence of associated features is recommended. 15q13.3 microduplications can be inherited from an asymptomatic parent. In summary, this variant is classified as Pathogenic.

Literature cited by the submitters: PubMed 36458369.